The following is an entry in ClinVar:

NM_001083961.2(WDR62):c.28G>T (p.Ala10Ser)

Gene: WDR62 (WD repeat domain 62; plus strand). Cytogenetic location: 19q13.12.
Variant type: single nucleotide variant.
Coding change: c.28G>T on transcript NM_001083961.2 (MANE Select); coding-DNA position 28, G replaced by T.
Protein change: p.Ala10Ser; replaces alanine 10 with serine.
Molecular consequence: missense variant.
Genome position (GRCh38, 1-based): chr19:36,054,999, G>T. VCF-style: chr19-36054999-G-T. GRCh37 (hg19) VCF-style: chr19-36545901-G-T.
Other names: c.28G>T, p.Ala10Ser (NM_173636.5); short protein forms A10S.
Identifiers: ClinVar variation 193156 (VCV000193156.9), dbSNP rs774912957, ClinGen allele CA238659.

ClinVar aggregate classification (germline): Uncertain significance. Review status: criteria provided, multiple submitters, no conflicts (2 of 4 stars). 2 submissions from 2 submitters: Uncertain significance (2). Last evaluated 2021-09-17.

Allele frequency attached by ClinVar (database versions not stated): gnomAD 0.00002; TOPMed 0.00004; gnomAD exomes 0.00007; ExAC 0.00017.
gnomAD v4.1: 33 of 1,607,144 alleles (0.0021%); highest among the groups gnomAD compares: East Asian, 0.036%; no homozygotes.

Submissions (2):

Labcorp Genetics (formerly Invitae), Labcorp
Classification: Uncertain significance. Last evaluated: 2021-09-17. Review status: criteria provided, single submitter. Criteria: Invitae Variant Classification Sherloc (09022015). Collection method: clinical testing. Allele origin: germline.
Comment: This sequence change replaces alanine with serine at codon 10 of the WDR62 protein (p.Ala10Ser). The alanine residue is weakly conserved and there is a moderate physicochemical difference between alanine and serine. This variant is present in population databases (rs774912957, ExAC 0.1%). This variant has been observed in individual(s) with WDR62-related conditions (PMID: 27852057). ClinVar contains an entry for this variant (Variation ID: 193156). Algorithms developed to predict the effect of missense changes on protein structure and function (SIFT, PolyPhen-2, Align-GVGD) all suggest that this variant is likely to be tolerated. In summary, the available evidence is currently insufficient to determine the role of this variant in disease. Therefore, it has been classified as a Variant of Uncertain Significance.

Eurofins Ntd Llc (ga)
Classification: Uncertain significance. Last evaluated: 2015-01-23. Review status: criteria provided, single submitter. Criteria: EGL Classification Definitions 2015. Collection method: clinical testing. Allele origin: germline. Observed: 1 variant allele, 1 heterozygote.

Literature cited by the submitters: PubMed 27852057 (cited by Labcorp Genetics (formerly Invitae), Labcorp).